The following is an entry in ClinVar:

ClinVar aggregate classification (germline): Uncertain significance (1 of 4 stars; one submission).

Conditions:
Heterotopia, periventricular, X-linked dominant (PVNH1). Also called: PERIVENTRICULAR NODULAR HETEROTOPIA 4; HETEROTOPIA, PERIVENTRICULAR, 1; PERIVENTRICULAR NODULAR HETEROTOPIA 1; X-linked periventricular heterotopia. Identifiers: Orphanet 2149, Orphanet 82004, MedGen C1848213, MONDO:0010233, OMIM 300049.
Melnick-Needles syndrome (MNS). Also called: MELNICK-NEEDLES OSTEODYSPLASTY; OSTEODYSPLASTY OF MELNICK AND NEEDLES; Melnick-Needles Syndrome (FLNA-MNS). Identifiers: Orphanet 2484, MedGen C0025237, MONDO:0010650, OMIM 309350.
Frontometaphyseal dysplasia (FMD1). Identifiers: Orphanet 1826, MedGen C0265293, MONDO:0015942.
Oto-palato-digital syndrome, type II (OPD2). Also called: FACIOPALATOOSSEOUS SYNDROME; OPD II SYNDROME; Otopalatodigital Syndrome, Type II; Otopalatodigital Syndrome Type 2 (FLNA-OPD2). Identifiers: Orphanet 669, Orphanet 90652, MedGen C1844696, MONDO:0010571, OMIM 304120.

gnomAD v4.1: 2 of 1,209,570 alleles (0.00017%); highest among the groups gnomAD compares: Non-Finnish European, 0.00022%; no homozygotes.

Submission:

Labcorp Genetics (formerly Invitae), Labcorp
Classification: Uncertain significance for Oto-palato-digital syndrome, type II; Heterotopia, periventricular, X-linked dominant; Frontometaphyseal dysplasia; Melnick-Needles syndrome. Last evaluated: 2023-11-27. Review status: criteria provided, single submitter. Criteria: Invitae Variant Classification Sherloc (09022015). Collection method: clinical testing. Allele origin: germline.
Comment: This sequence change falls in intron 12 of the FLNA gene. It does not directly change the encoded amino acid sequence of the FLNA protein. It affects a nucleotide within the consensus splice site. This variant is not present in population databases (gnomAD no frequency). This variant has not been reported in the literature in individuals affected with FLNA-related conditions. ClinVar contains an entry for this variant (Variation ID: 1365184). Variants that disrupt the consensus splice site are a relatively common cause of aberrant splicing (PMID: 17576681, 9536098). Algorithms developed to predict the effect of sequence changes on RNA splicing suggest that this variant is not likely to affect RNA splicing. In summary, the available evidence is currently insufficient to determine the role of this variant in disease. Therefore, it has been classified as a Variant of Uncertain Significance.

Literature cited by the submitters: PubMed 17576681; PubMed 9536098.

NM_001110556.2(FLNA):c.1829-3C>T

Gene: FLNA (filamin A; minus strand). Cytogenetic location: Xq28.
Variant type: single nucleotide variant.
Coding change: c.1829-3C>T on transcript NM_001110556.2 (MANE Select); 3 bases into the intron before coding-DNA position 1829, C replaced by T.
Molecular consequence: intron variant.
Genome position (GRCh38, 1-based): chrX:154,364,722, G>A on the plus strand (C>T on the coding strand, the complement: FLNA is on the minus strand). VCF-style: chrX-154364722-G-A. GRCh37 (hg19) VCF-style: chrX-153593090-G-A.
Other names: c.1829-3C>T (NM_001456.4).
Identifiers: ClinVar variation 1365184 (VCV001365184.6), dbSNP rs2148116361, ClinGen allele CA2573159416.